The following is an entry in ClinVar:

NM_000548.5(TSC2):c.2743-9C>G

Gene: TSC2 (TSC complex subunit 2; plus strand). Cytogenetic location: 16p13.3.
Variant type: single nucleotide variant.
Coding change: c.2743-9C>G on transcript NM_000548.5 (MANE Select); 9 bases into the intron before coding-DNA position 2743, C replaced by G.
Molecular consequence: intron variant.
Genome position (GRCh38, 1-based): chr16:2,076,482, C>G. VCF-style: chr16-2076482-C-G. GRCh37 (hg19) VCF-style: chr16-2126483-C-G.
Other names: c.2743-9C>G (NM_001114382.3, NM_021055.3, NM_001370405.1 and 3 more transcripts); c.2632-9C>G (NM_001318827.2); c.2143-9C>G (NM_001318831.2); c.2596-9C>G (NM_001318829.2); c.2776-9C>G (NM_001318832.2).
Identifiers: ClinVar variation 65300 (VCV000065300.14), dbSNP rs397515319, ClinGen allele CA018065.

ClinVar aggregate classification (germline): Pathogenic. Review status: criteria provided, multiple submitters, no conflicts (2 of 4 stars). 4 submissions from 4 submitters: Pathogenic (3). 1 of the submissions does not count toward it. Last evaluated 2026-02-09.

Conditions:
Hereditary cancer-predisposing syndrome. Also called: Hereditary Cancer Syndrome; Hereditary neoplastic syndrome; Neoplastic Syndromes, Hereditary; Tumor predisposition. Identifiers: Orphanet 140162, MedGen C0027672, MeSH D009386, MONDO:0015356.
Tuberous sclerosis syndrome (TSC). Also called: Tuberous Sclerosis Complex; Tuberous sclerosis. Identifiers: Orphanet 805, MedGen C0041341, MONDO:0001734.
Tuberous sclerosis 2 (TSC2). Identifiers: Orphanet 805, MedGen C1860707, MONDO:0013199, OMIM 613254.

Submissions (4):

Ambry Genetics
Classification: Pathogenic for Hereditary cancer-predisposing syndrome. Last evaluated: 2026-02-09. Review status: criteria provided, single submitter. Criteria: Ambry Variant Classification Scheme 2023. Collection method: clinical testing. Allele origin: germline.
Comment: The c.2743-9C>G intronic pathogenic mutation results from a C to G substitution 9 nucleotides upstream from coding exon 24 in the TSC2 gene. This variant was reported in individuals with features consistent with tuberous sclerosis complex; in at least one individual, it was determined to be de novo or the result of germline mosaicism (LOVD database: Fokkema IFAC et al. Eur J Hum Genet. 2021 Dec;29(12):1796-1803; Luo C et al. Orphanet J Rare Dis, 2022 Jul;17:288; Ambry internal data; external communication). This variant is considered to be rare based on population cohorts in the Genome Aggregation Database (gnomAD). This nucleotide position is not well conserved in available vertebrate species. In silico splice site analysis predicts that this alteration will weaken the native splice acceptor site and will result in the creation or strengthening of a novel splice acceptor site. Based on the supporting evidence, this variant is interpreted as a disease-causing mutation.

Labcorp Genetics (formerly Invitae), Labcorp
Classification: Pathogenic for Tuberous sclerosis 2. Last evaluated: 2025-09-02. Review status: criteria provided, single submitter. Criteria: Invitae Variant Classification Sherloc (09022015). Collection method: clinical testing. Allele origin: germline.
Comment: This sequence change falls in intron 24 of the TSC2 gene. It does not directly change the encoded amino acid sequence of the TSC2 protein. This variant is not present in population databases (gnomAD no frequency). This variant has been observed in individual(s) with tuberous sclerosis complex (TSC) (PMID: 21520333, 35870981). In at least one individual the variant was observed to be de novo. ClinVar contains an entry for this variant (Variation ID: 65300). Algorithms developed to predict the effect of sequence changes on RNA splicing suggest that this variant may disrupt the consensus splice site. For these reasons, this variant has been classified as Pathogenic.

GeneDx
Classification: Pathogenic. Last evaluated: 2025-07-09. Review status: criteria provided, single submitter. Criteria: GeneDx Variant Classification Process June 2021. Collection method: clinical testing. Allele origin: germline. Affected: yes.
Comment: In silico analysis supports a deleterious effect on splicing; Not observed at significant frequency in large population cohorts (gnomAD); Also known as IVS23-9C>G; This variant is associated with the following publications: (PMID: 21520333, 35870981)

Tuberous sclerosis database (TSC2)
No classification provided. Condition: TSC. Review status: no classification provided. Criteria: Tuberous Sclerosis Database Assertion Criteria 2015. Collection method: curation. Allele origin: germline. Affected: yes. Not counted in ClinVar's aggregate classification.

Literature cited by the submitters: PubMed 34521998 (cited by Ambry Genetics); PubMed 35870981 (cited by Ambry Genetics and Labcorp Genetics (formerly Invitae), Labcorp); PubMed 21520333 (cited by Labcorp Genetics (formerly Invitae), Labcorp).